The following is an entry in ClinVar:

ClinVar aggregate classification (germline): Likely pathogenic (1 of 4 stars; one submission).

Conditions:
Hereditary factor VIII deficiency disease (HEMA). Also called: HEMOPHILIA, CLASSIC; AUTOSOMAL HEMOPHILIA A; Hemophilia A; Hemophilia A, congenital; HEM A; Factor 8 deficiency, congenital. Identifiers: Orphanet 98878, MedGen C0019069, MONDO:0010602, OMIM 306700.

Submission:

Myriad Genetics, Inc.
Classification: Likely pathogenic for Hereditary factor VIII deficiency disease. Last evaluated: 2025-05-09. Review status: criteria provided, single submitter. Criteria: Myriad Autosomal Dominant, Autosomal Recessive and X-Linked Classification Criteria (2023). Collection method: clinical testing. Allele origin: unknown.
Comment: NM_000132.3(F8):c.5954G>C(R1985P) is a missense variant classified as likely pathogenic in the context of hemophilia A. R1985P has been observed in cases with relevant disease (PMID: 11754115, 23926300). Relevant functional assessments of this variant are not available in the literature. Internal structural analysis of the variant is supportive of pathogenicity. R1985P has not been observed in referenced population frequency databases. In summary, NM_000132.3(F8):c.5954G>C(R1985P) is a missense variant that has internal structural support for pathogenicity and has been observed more frequently in cases with the relevant disease than in healthy populations. Please note: this variant was assessed in the context of healthy population screening.

Literature cited by the submitters: PubMed 11754115; PubMed 23926300.

NM_000132.4(F8):c.5954G>C (p.Arg1985Pro)

Gene: F8 (coagulation factor VIII; minus strand). Cytogenetic location: Xq28.
Variant type: single nucleotide variant.
Coding change: c.5954G>C on transcript NM_000132.4 (MANE Select); coding-DNA position 5954, G replaced by C.
Protein change: p.Arg1985Pro; replaces arginine 1985 with proline.
Molecular consequence: missense variant.
Genome position (GRCh38, 1-based): chrX:154,903,950, C>G on the plus strand (G>C on the coding strand, the complement: F8 is on the minus strand). VCF-style: chrX-154903950-C-G. GRCh37 (hg19) VCF-style: chrX-154132225-C-G.
Other names: short protein forms R1985P.
Identifiers: ClinVar variation 4081671 (VCV004081671.1).